The following is an entry in ClinVar:

NM_001370298.3(FGD4):c.1143G>A (p.Ser381=)

Gene: FGD4 (FYVE, RhoGEF and PH domain containing 4; plus strand). Cytogenetic location: 12p11.21.
Variant type: single nucleotide variant.
Coding change: c.1143G>A on transcript NM_001370298.3 (MANE Select); coding-DNA position 1143, G replaced by A.
Protein change: p.Ser381=; no amino-acid change (serine 381 retained).
Molecular consequence: synonymous variant. On other transcripts: 5 prime UTR variant (2).
Genome position (GRCh38, 1-based): chr12:32,601,319, G>A. VCF-style: chr12-32601319-G-A. GRCh37 (hg19) VCF-style: chr12-32754253-G-A.
Other names: c.987G>A, p.Ser329= (NM_001304481.2); c.-13G>A (NM_001304483.2); c.-320G>A (NM_001304484.2); c.453G>A, p.Ser151= (NM_001330373.2, NM_001330374.2, NM_001384130.1); c.180G>A, p.Ser60= (NM_001370297.1); c.1143G>A, p.Ser381= (NM_001384126.1); c.732G>A, p.Ser244= (NM_001384127.1, NM_001384128.1, NM_001385118.1 and 1 more transcripts).
Identifiers: ClinVar variation 308289 (VCV000308289.21), dbSNP rs34555341, ClinGen allele CA6506712.

ClinVar aggregate classification (germline): Benign/Likely benign. Review status: criteria provided, multiple submitters, no conflicts (2 of 4 stars). 7 submissions from 7 submitters: Benign (3); Likely benign (3). 1 of the submissions does not count toward it. Last evaluated 2026-01-27.

Conditions:
FGD4-related disorder. Also called: FGD4-related condition.
Inborn genetic diseases. Identifiers: MedGen C0950123, MeSH D030342.
Charcot-Marie-Tooth disease. Also called: Charcot-Marie-Tooth Neuropathy; Charcot-Marie-Tooth Hereditary Neuropathy. Identifiers: Orphanet 166, MedGen C0007959, MONDO:0015626.
Charcot-Marie-Tooth disease type 4. Also called: Charcot-Marie-Tooth disease, type IV; Charcot-Marie-Tooth, Type 4. Identifiers: Orphanet 64749, MedGen C4082197, MONDO:0018995.
Charcot-Marie-Tooth disease type 4H (CMT4H). Also called: CHARCOT-MARIE-TOOTH DISEASE, AUTOSOMAL RECESSIVE, TYPE 4H; CHARCOT-MARIE-TOOTH DISEASE, DEMYELINATING, AUTOSOMAL RECESSIVE, TYPE 4H; CHARCOT-MARIE-TOOTH NEUROPATHY, TYPE 4H; CHARCOT-MARIE-TOOTH DISEASE, DEMYELINATING, TYPE 4H. Identifiers: Orphanet 99954, MedGen C1836336, MONDO:0012250, OMIM 609311.

Allele frequency attached by ClinVar (database versions not stated): gnomAD exomes 0.00050 and 0.00137; ExAC 0.00173; gnomAD 0.00517 and 0.00555; TOPMed 0.00583; ESP Exome Variant Server 0.00600; 1000 Genomes Project 0.00819; 1000 Genomes Project 30x 0.00828.
gnomAD v4.1: 1,546 of 1,614,102 alleles (0.096%); highest among the groups gnomAD compares: African/African-American, 1.8%; 12 homozygotes.

Submissions (7):

Labcorp Genetics (formerly Invitae), Labcorp
Classification: Benign for Charcot-Marie-Tooth disease type 4. Last evaluated: 2026-01-27. Review status: criteria provided, single submitter. Criteria: Invitae Variant Classification Sherloc (09022015). Collection method: clinical testing. Allele origin: germline.

Ambry Genetics
Classification: Likely benign for Inborn genetic diseases. Last evaluated: 2019-07-11. Review status: criteria provided, single submitter. Criteria: Ambry Variant Classification Scheme 2023. Collection method: clinical testing. Allele origin: germline.

GeneDx
Classification: Benign. Last evaluated: 2018-02-02. Review status: criteria provided, single submitter. Criteria: GeneDx Variant Classification (06012015). Collection method: clinical testing. Allele origin: germline. Affected: yes.
Comment: This variant is considered likely benign or benign based on one or more of the following criteria: it is a conservative change, it occurs at a poorly conserved position in the protein, it is predicted to be benign by multiple in silico algorithms, and/or has population frequency not consistent with disease.

Illumina Laboratory Services, Illumina
Classification: Benign for Charcot-Marie-Tooth disease type 4H. Last evaluated: 2018-01-13. Review status: criteria provided, single submitter. Criteria: ICSL Variant Classification Criteria 13 December 2019. Collection method: clinical testing. Allele origin: germline.
Comment: This variant was observed in the ICSL laboratory as part of a predisposition screen in an ostensibly healthy population. It had not been previously curated by ICSL or reported in the Human Gene Mutation Database (HGMD: prior to June 1st, 2018), and was therefore a candidate for classification through an automated scoring system. Utilizing variant allele frequency, disease prevalence and penetrance estimates, and inheritance mode, an automated score was calculated to assess if this variant is too frequent to cause the disease. Based on the score and internal cut-off values, a variant classified as benign is not then subjected to further curation. The score for this variant resulted in a classification of benign for this disease.

Breakthrough Genomics
Classification: Likely benign. Review status: criteria provided, single submitter. Criteria: ACMG Guidelines, 2015. Collection method: not provided. Allele origin: germline. Inheritance: Autosomal recessive inheritance. Affected: yes.

Molecular Genetics Laboratory, London Health Sciences Centre
Classification: Likely benign for Charcot-Marie-Tooth disease. Review status: criteria provided, single submitter. Criteria: ACMG Guidelines, 2015. Collection method: clinical testing. Allele origin: germline. Affected: yes.

PreventionGenetics, part of Exact Sciences
Classification: Benign for FGD4-related condition. Last evaluated: 2024-02-09. Review status: no assertion criteria provided. Collection method: clinical testing. Allele origin: germline. Not counted in ClinVar's aggregate classification.
Comment: This variant is classified as benign based on ACMG/AMP sequence variant interpretation guidelines (Richards et al. 2015 PMID: 25741868, with internal and published modifications).